The following is an entry in ClinVar:

NM_000059.4(BRCA2):c.8850_8851dup (p.Ala2951fs)

Gene: BRCA2 (BRCA2 DNA repair associated; plus strand). Cytogenetic location: 13q13.1.
Variant type: Duplication.
Coding change: c.8850_8851dup on transcript NM_000059.4 (MANE Select); coding-DNA positions 8850 to 8851, 2 bases duplicated (GG; older notation c.8850_8851dupGG).
Protein change: p.Ala2951fs; shifts the reading frame from alanine 2951.
Molecular consequence: frameshift variant.
Genome position (GRCh38, 1-based): chr13:32,379,412-32,379,413, GG duplicated. VCF-style (leftmost placement, unchanged base first): chr13-32379411-A-AGG. GRCh37 (hg19) VCF-style: chr13-32953548-A-AGG.
Other names: 9079insGG; c.8850_8851dupGG (NM_000059.3, NM_000059.4); short protein forms A2951fs.
Identifiers: ClinVar variation 267111 (VCV000267111.21), dbSNP rs886040796, ClinGen allele CA10589520.

ClinVar aggregate classification (germline): Pathogenic. Review status: reviewed by expert panel (3 of 4 stars). 7 submissions from 7 submitters: Pathogenic (1). 6 of the submissions do not count toward it. Last evaluated 2016-10-18.

Conditions:
Hereditary cancer-predisposing syndrome. Also called: Tumor predisposition; Hereditary Cancer Syndrome; Hereditary neoplastic syndrome; Neoplastic Syndromes, Hereditary. Identifiers: Orphanet 140162, MedGen C0027672, MeSH D009386, MONDO:0015356.
Hereditary breast ovarian cancer syndrome. Also called: Hereditary breast and ovarian cancer syndrome; BRCA1- and BRCA2-Associated Hereditary Breast and Ovarian Cancer; Breast and ovarian cancer; Hereditary breast and ovarian cancer; Hereditary breast and ovarian cancer syndrome (HBOC); Hereditary breast and/or ovarian cancer syndrome. Identifiers: Orphanet 145, MedGen C0677776, MeSH D061325, MONDO:0003582. Disease mechanism: loss of function.
Breast-ovarian cancer, familial, susceptibility to, 2 (BROVCA2). Also called: BRCA2 Hereditary Breast and Ovarian Cancer. Identifiers: Orphanet 145, MedGen C2675520, MONDO:0012933, OMIM 612555. Disease mechanism: loss of function.
Familial cancer of breast. Also called: BREAST CANCER, FAMILIAL; hereditary breast carcinoma; Hereditary breast cancer. Identifiers: Orphanet 227535, MedGen C0346153, MONDO:0016419, OMIM 114480. Disease mechanism: loss of function.

Allele frequency attached by ClinVar (database versions not stated): TOPMed 0.00001.

Submissions (7):

Evidence-based Network for the Interpretation of Germline Mutant Alleles (ENIGMA)
Classification: Pathogenic for Breast-ovarian cancer, familial, susceptibility to, 2. Last evaluated: 2016-10-18. Review status: reviewed by expert panel. Criteria: ENIGMA BRCA1/2 Classification Criteria (2015). Collection method: curation. Allele origin: germline.
Comment: Variant allele predicted to encode a truncated non-functional protein.

Women's Health and Genetics/Laboratory Corporation of America, LabCorp
Classification: Pathogenic for Hereditary breast ovarian cancer syndrome. Last evaluated: 2025-09-16. Review status: criteria provided, single submitter. Criteria: LabCorp Variant Classification Summary - May 2015. Collection method: clinical testing. Allele origin: germline. Not counted in ClinVar's aggregate classification.
Comment: Variant summary: BRCA2 c.8850_8851dupGG (p.Ala2951GlyfsX26) results in a premature termination codon, predicted to cause absence of the protein due to nonsense mediated decay, which is a commonly known mechanism for disease. The variant was absent in 250752 control chromosomes (gnomAD). c.8850_8851dupGG has been observed in an individual(s) affected with Hereditary Breast And Ovarian Cancer Syndrome (Rebbeck_2018). The following publication has been ascertained in the context of this evaluation (PMID: 29446198). ClinVar contains an entry for this variant (Variation ID: 267111). Based on the evidence outlined above, the variant was classified as pathogenic.

Labcorp Genetics (formerly Invitae), Labcorp
Classification: Pathogenic for Hereditary breast ovarian cancer syndrome. Last evaluated: 2025-08-06. Review status: criteria provided, single submitter. Criteria: Invitae Variant Classification Sherloc (09022015). Collection method: clinical testing. Allele origin: germline. Not counted in ClinVar's aggregate classification.
Comment: This sequence change creates a premature translational stop signal (p.Ala2951Glyfs*26) in the BRCA2 gene. It is expected to result in an absent or disrupted protein product. Loss-of-function variants in BRCA2 are known to be pathogenic (PMID: 20104584). This variant is not present in population databases (gnomAD no frequency). This premature translational stop signal has been observed in individual(s) with breast and/or ovarian cancer (PMID: 29446198). ClinVar contains an entry for this variant (Variation ID: 267111). For these reasons, this variant has been classified as Pathogenic.

GeneDx
Classification: Pathogenic. Last evaluated: 2024-12-14. Review status: criteria provided, single submitter. Criteria: GeneDx Variant Classification Process June 2021. Collection method: clinical testing. Allele origin: germline. Not counted in ClinVar's aggregate classification.
Comment: Frameshift variant predicted to result in protein truncation or nonsense mediated decay in a gene for which loss of function is a known mechanism of disease; Observed in individuals undergoing multi-gene panel testing (PMID: 29446198); Not observed at significant frequency in large population cohorts (gnomAD); Truncating variants in this gene are considered pathogenic by a well-established clinical consortium and/or database; Also known as 9078_9079dup; This variant is associated with the following publications: (PMID: 29446198)

Ambry Genetics
Classification: Pathogenic for Hereditary cancer-predisposing syndrome. Last evaluated: 2023-06-12. Review status: criteria provided, single submitter. Criteria: Ambry Variant Classification Scheme 2023. Collection method: clinical testing. Allele origin: germline. Not counted in ClinVar's aggregate classification.
Comment: The c.8850_8851dupGG pathogenic mutation, located in coding exon 21 of the BRCA2 gene, results from a duplication of GG at nucleotide position 8850, causing a translational frameshift with a predicted alternate stop codon (p.A2951Gfs*26). This alteration is expected to result in loss of function by premature protein truncation or nonsense-mediated mRNA decay. As such, this alteration is interpreted as a disease-causing mutation.

Baylor Genetics
Classification: Pathogenic for Familial cancer of breast. Last evaluated: 2023-02-19. Review status: criteria provided, single submitter. Criteria: ACMG Guidelines, 2015. Collection method: clinical testing. Allele origin: unknown. Not counted in ClinVar's aggregate classification.

Consortium of Investigators of Modifiers of BRCA1/2 (CIMBA), c/o University of Cambridge
Classification: Pathogenic for Breast-ovarian cancer, familial, susceptibility to, 2. Last evaluated: 2015-10-02. Review status: criteria provided, single submitter. Criteria: CIMBA Mutation Classification guidelines May 2016. Collection method: clinical testing. Allele origin: germline. Not counted in ClinVar's aggregate classification.

Literature cited by the submitters: PubMed 29446198 (cited by Women's Health and Genetics/Laboratory Corporation of America, LabCorp and Labcorp Genetics (formerly Invitae), Labcorp); PubMed 20104584 (cited by Labcorp Genetics (formerly Invitae), Labcorp).